The following is an entry in ClinVar:

ClinVar aggregate classification (germline): Uncertain significance. Review status: criteria provided, multiple submitters, no conflicts (2 of 4 stars). 2 submissions from 2 submitters: Uncertain significance (2). Last evaluated 2024-11-27.

Conditions:
Inborn genetic diseases. Identifiers: MedGen C0950123, MeSH D030342.
Myopathy, proximal, and ophthalmoplegia (CMYO6). Also called: MYOPATHY WITH CONGENITAL JOINT CONTRACTURES, OPHTHALMOPLEGIA, AND RIMMED VACUOLES; CONGENITAL MYOPATHY 6 WITH OPHTHALMOPLEGIA; INCLUSION BODY MYOPATHY 3, AUTOSOMAL DOMINANT. Identifiers: Orphanet 363677, Orphanet 79091, MedGen C1854106, MONDO:0011577, OMIM 605637.

Allele frequency attached by ClinVar (database versions not stated): gnomAD 0.00001; TOPMed 0.00004; gnomAD exomes 0.00006 and 0.00014; ExAC 0.00012.
gnomAD v4.1: 36 of 1,613,890 alleles (0.0022%); highest among the groups gnomAD compares: Admixed American, 0.058%; no homozygotes.

Submissions (2):

Ambry Genetics
Classification: Uncertain significance for Inborn genetic diseases. Last evaluated: 2024-11-27. Review status: criteria provided, single submitter. Criteria: Ambry Variant Classification Scheme 2023. Collection method: clinical testing. Allele origin: germline.

Labcorp Genetics (formerly Invitae), Labcorp
Classification: Uncertain significance for Myopathy, proximal, and ophthalmoplegia. Last evaluated: 2024-11-14. Review status: criteria provided, single submitter. Criteria: Invitae Variant Classification Sherloc (09022015). Collection method: clinical testing. Allele origin: germline.
Comment: This sequence change replaces lysine, which is basic and polar, with arginine, which is basic and polar, at codon 349 of the MYH2 protein (p.Lys349Arg). This variant is present in population databases (rs748792149, gnomAD 0.1%). This variant has not been reported in the literature in individuals affected with MYH2-related conditions. ClinVar contains an entry for this variant (Variation ID: 846385). Invitae Evidence Modeling of protein sequence and biophysical properties (such as structural, functional, and spatial information, amino acid conservation, physicochemical variation, residue mobility, and thermodynamic stability) indicates that this missense variant is not expected to disrupt MYH2 protein function with a negative predictive value of 80%. In summary, the available evidence is currently insufficient to determine the role of this variant in disease. Therefore, it has been classified as a Variant of Uncertain Significance.

NM_017534.6(MYH2):c.1046A>G (p.Lys349Arg)

Genes: MYHAS (myosin heavy chain gene cluster antisense RNA; plus strand), MYH2 (myosin heavy chain 2; minus strand). Cytogenetic location: 17p13.1.
Variant type: single nucleotide variant.
Coding change: c.1046A>G on transcript NM_017534.6 (MANE Select); coding-DNA position 1046, A replaced by G.
Protein change: p.Lys349Arg; replaces lysine 349 with arginine.
Molecular consequence: missense variant.
Genome position (GRCh38, 1-based): chr17:10,540,029, T>C on the plus strand (A>G on the coding strand, the complement: MYH2 is on the minus strand). VCF-style: chr17-10540029-T-C. GRCh37 (hg19) VCF-style: chr17-10443346-T-C.
Other names: c.1046A>G, p.Lys349Arg (NM_001100112.2); short protein forms K349R.
Identifiers: ClinVar variation 846385 (VCV000846385.9), dbSNP rs748792149, ClinGen allele CA8391458.
Genomic context (GRCh38, chr17:10,540,029, plus strand): 5'-TGCTTAAATTTTAGGTTCCCATAATGCATCACAGCCCCCGTGAGCTTGTAAATGGAGACC[T>C]TTTCTTCATTAGTAAAGCCCAAAATATCAATAGCACTCTGTCAATATAACCAATAGGATA-3'
Protein context (NP_060004.3, residues 339-359): IDILGFTNEE[Lys349Arg]VSIYKLTGAV